The following is an entry in ClinVar:

ClinVar aggregate classification (germline): Uncertain significance (1 of 4 stars; one submission).

Conditions:
Neurodevelopmental disorder. Identifiers: MedGen C1535926, MeSH D065886, MONDO:0700092.

Allele frequency attached by ClinVar (database versions not stated): gnomAD exomes below 0.00001.
gnomAD v4.1: 4 of 1,614,186 alleles (0.00025%); highest among the groups gnomAD compares: South Asian, 0.0022%; no homozygotes.

Submission:

Victorian Clinical Genetics Services, Murdoch Childrens Research Institute
Classification: Uncertain significance for Neurodevelopmental disorder. Last evaluated: 2022-02-02. Review status: criteria provided, single submitter. Criteria: ACMG Guidelines, 2015. Collection method: clinical testing. Allele origin: germline. Inheritance: Autosomal dominant inheritance. Affected: yes.
Comment: Based on the classification scheme VCGS_Germline_v1.3.4, this variant is classified as VUS-3B. Following criteria are met: 0102 - Loss of function is a known mechanism of disease in this gene and is associated with neurodevelopmental disorder (PMID: 33941880). (I) 0107 - This gene is associated with autosomal dominant disease (PMID: 33941880). (I) 0200 - Variant is predicted to result in a missense amino acid change from valine to methionine. (I) 0251 - This variant is heterozygous. (I) 0301 - Variant is absent from gnomAD (both v2 and v3). (SP) 0309 - An alternative amino acid change at the same position has been observed in gnomAD (v2 and v3 each has 1 heterozygote and 0 homozygotes). (I) 0502 - Missense variant with conflicting in silico predictions and uninformative conservation. (I) 0600 - Variant is located in the annotated PHD zinc finger domain (PMID: 33941880). (I) 0705 - No comparable missense variants have previous evidence for pathogenicity. (I) 0807 - This variant has no previous evidence of pathogenicity. (I) 0905 - No published segregation evidence has been identified for this variant. (I) 1007 - No published functional evidence has been identified for this variant. (I) 1208 - Inheritance information for this variant is not currently available in this individual. (I) Legend: (SP) - Supporting pathogenic, (I) - Information, (SB) - Supporting benign

Literature cited by the submitters: PubMed 33941880.

NM_001042424.3(NSD2):c.2155G>A (p.Val719Met)

Gene: NSD2 (nuclear receptor binding SET domain protein 2; plus strand). Cytogenetic location: 4p16.3.
Variant type: single nucleotide variant.
Coding change: c.2155G>A on transcript NM_001042424.3 (MANE Select); coding-DNA position 2155, G replaced by A.
Protein change: p.Val719Met; replaces valine 719 with methionine.
Molecular consequence: missense variant.
Genome position (GRCh38, 1-based): chr4:1,953,341, G>A. VCF-style: chr4-1953341-G-A. GRCh37 (hg19) VCF-style: chr4-1955068-G-A.
Other names: c.2155G>A, p.Val719Met (NM_133330.3, NM_133331.3, NM_133335.4); short protein forms V719M.
Identifiers: ClinVar variation 1699451 (VCV001699451.3), dbSNP rs200415868, ClinGen allele CA355986155.